The following continues an entry in ClinVar:

NM_000059.4(BRCA2):c.3869G>A (p.Cys1290Tyr)

Gene: BRCA2. ClinVar aggregate classification (germline): Benign. Benign (1).

Submissions 21 to 40 of 40:

Center for Pediatric Genomic Medicine, Children's Mercy Hospital and Clinics
Classification: Likely benign. Last evaluated: 2017-06-19. Review status: criteria provided, single submitter. Criteria: ACMG Guidelines, 2015. Collection method: clinical testing. Allele origin: germline. Not counted in ClinVar's aggregate classification.

Baylor Genetics
Classification: Benign for Familial cancer of breast. Last evaluated: 2017-02-23. Review status: criteria provided, single submitter. Criteria: ACMG Guidelines, 2015. Collection method: clinical testing. Allele origin: germline. Inheritance: Autosomal dominant inheritance. Affected: no. Not counted in ClinVar's aggregate classification.

Molecular Genetics Laboratory, University of Michigan
Classification: Benign for Breast-ovarian cancer, familial, susceptibility to, 2. Last evaluated: 2016-04-21. Review status: criteria provided, single submitter. Criteria: ACMG Guidelines, 2015. Collection method: clinical testing. Allele origin: germline. Affected: yes. Not counted in ClinVar's aggregate classification.

Fulgent Genetics
Classification: Likely benign for Breast-ovarian cancer, familial, susceptibility to, 2. Last evaluated: 2015-11-05. Review status: criteria provided, single submitter. Criteria: ACMG Guidelines, 2015. Collection method: clinical testing. Allele origin: unknown. Not counted in ClinVar's aggregate classification.

Color Diagnostics, LLC DBA Color Health
Classification: Benign for Hereditary cancer-predisposing syndrome. Last evaluated: 2015-08-26. Review status: criteria provided, single submitter. Criteria: ACMG Guidelines, 2015. Collection method: clinical testing. Allele origin: germline. Not counted in ClinVar's aggregate classification.

Eurofins Ntd Llc (ga)
Classification: Benign. Last evaluated: 2015-07-14. Review status: criteria provided, single submitter. Criteria: EGL Classification Definitions 2015. Collection method: clinical testing. Allele origin: germline. Observed: 1 variant allele, 1 heterozygote. Not counted in ClinVar's aggregate classification.

Pathway Genomics
Classification: Benign for Breast-ovarian cancer, familial 2. Last evaluated: 2014-10-30. Review status: criteria provided, single submitter. Criteria: ACMG Guidelines, 2015. Collection method: clinical testing. Allele origin: germline. Not counted in ClinVar's aggregate classification.

Ambry Genetics
Classification: Benign for Hereditary cancer-predisposing syndrome. Last evaluated: 2014-07-22. Review status: criteria provided, single submitter. Criteria: Ambry Variant Classification Scheme 2023. Collection method: clinical testing. Allele origin: germline. Not counted in ClinVar's aggregate classification.

True Health Diagnostics
Classification: Likely benign for Hereditary cancer-predisposing syndrome. Last evaluated: 2018-09-06. Review status: no assertion criteria provided. Collection method: clinical testing. Allele origin: germline. Not counted in ClinVar's aggregate classification.

Mayo Clinic Laboratories, Mayo Clinic
Classification: Likely benign. Last evaluated: 2017-03-06. Review status: no assertion criteria provided. Collection method: clinical testing. Allele origin: unknown. Not counted in ClinVar's aggregate classification.

Counsyl
Classification: Likely benign for Breast-ovarian cancer, familial 2. Last evaluated: 2014-03-18. Review status: no assertion criteria provided. Collection method: literature only. Allele origin: unknown. Inheritance: Autosomal dominant inheritance. Not counted in ClinVar's aggregate classification.

ITMI
No classification provided. Condition: AllHighlyPenetrant. Last evaluated: 2013-09-19. Review status: no classification provided. Collection method: reference population. Allele origin: germline. Not counted in ClinVar's aggregate classification.
Comment: Please see associated publication for description of ethnicities

Sharing Clinical Reports Project (SCRP)
Classification: Benign for Breast-ovarian cancer, familial 2. Last evaluated: 2011-03-01. Review status: no assertion criteria provided. Collection method: clinical testing. Allele origin: germline. Not counted in ClinVar's aggregate classification.

Breast Cancer Information Core (BIC) (BRCA2)
Classification: Benign for Breast-ovarian cancer, familial 2. Last evaluated: 2002-05-29. Review status: no assertion criteria provided. Collection method: clinical testing. Allele origin: germline. Affected: yes. Observed: 47 variant alleles. Not counted in ClinVar's aggregate classification.

Clinical Genetics DNA and cytogenetics Diagnostics Lab, Erasmus MC, Erasmus Medical Center
Classification: Likely benign. Review status: no assertion criteria provided. Collection method: clinical testing. Allele origin: germline. Affected: yes. Study: VKGL Data-share Consensus. Not counted in ClinVar's aggregate classification.

Clinical Genetics Laboratory, Department of Pathology, Netherlands Cancer Institute
Classification: Benign. Review status: no assertion criteria provided. Collection method: clinical testing. Allele origin: germline. Affected: yes. Study: VKGL Data-share Consensus. Not counted in ClinVar's aggregate classification.

Department of Pathology and Laboratory Medicine, Sinai Health System
Classification: Benign. Review status: no assertion criteria provided. Collection method: clinical testing. Allele origin: unknown. Affected: yes. Study: The Canadian Open Genetics Repository (COGR). Not counted in ClinVar's aggregate classification.
Comment: The p.Cys1290Tyr variant has been identified in 15 out of 5374 proband chromosomes (frequency 0.003) in individuals with breast cancer phenotype, however no normal population controls were included in these studies (Dufloth 2005, Borg 2010, Wagner 1999, Fackenthal 2011, Cherbal 2010). However, it is listed in dbSNP database as coming from a "clinical source" (ID#: rs41293485) with a "global minor allele frequency" of 0.003, therefore increasing the likelihood this variant is benign. The p.Cys1290 residue is not conserved in mammals and the variant amino acid tyrosine (Tyr) is present in cat, decreasing the likelihood that this variant has functional significance. In addition, in silico or computational analyses (Polyphen2, AlignGVGD, Sift) do not suggest this variant has an impact on the protein function. In the UMD database, this variant has been identified in 1 (out of 7) individuals with breast or ovarian cancers, where a second pathogenic BRCA1 mutation was also detected, further suggesting that this is a benign variant. This variant was identified in the BIC database and indicated as having no clinical significance in 47 entries. In summary, based on the above information, this variant is classified as Benign.

Genome Diagnostics Laboratory, University Medical Center Utrecht
Classification: Likely benign. Review status: no assertion criteria provided. Collection method: clinical testing. Allele origin: germline. Affected: yes. Study: VKGL Data-share Consensus. Not counted in ClinVar's aggregate classification.

Joint Genome Diagnostic Labs from Nijmegen and Maastricht, Radboudumc and MUMC+
Classification: Benign. Review status: no assertion criteria provided. Collection method: clinical testing. Allele origin: germline. Affected: yes. Study: VKGL Data-share Consensus. Not counted in ClinVar's aggregate classification.

Laboratory of Diagnostic Genome Analysis, Leiden University Medical Center (LUMC)
Classification: Likely benign. Review status: no assertion criteria provided. Collection method: clinical testing. Allele origin: germline. Affected: yes. Study: VKGL Data-share Consensus. Not counted in ClinVar's aggregate classification.

Literature cited by the submitters: DOI 10.3389/fgene.2022.834265 (cited by National Health Laboratory Service, Universitas Academic Hospital and University of the Free State); PubMed 36329109 (cited by Genetics Program, Instituto Nacional de Cancer); PubMed 31131559 (cited by Quest Diagnostics Nichols Institute San Juan Capistrano); PubMed 24728327 (cited by 3 submitters); PubMed 21520273 (cited by 3 submitters); PubMed 16389418 (cited by Illumina Laboratory Services, Illumina and Counsyl); PubMed 20683152 (cited by Illumina Laboratory Services, Illumina); PubMed 20104584 (cited by Illumina Laboratory Services, Illumina); PubMed 18284688 (cited by Illumina Laboratory Services, Illumina and Counsyl); PubMed 9971877 (cited by Illumina Laboratory Services, Illumina and Counsyl); PubMed 21952622 (cited by Illumina Laboratory Services, Illumina and Counsyl).